The following is an entry in ClinVar:

ClinVar aggregate classification (germline): Conflicting classifications of pathogenicity. Review status: criteria provided, conflicting classifications (1 of 4 stars). 3 submissions from 3 submitters: Uncertain significance (2); Likely benign (1). Last evaluated 2026-07-08.

Conditions:
PIEZO2-related disorder. Also called: PIEZO2-related disorders; PIEZO2-related condition.

Allele frequency attached by ClinVar (database versions not stated): gnomAD exomes 0.00019 and 0.00027; ExAC 0.00022; gnomAD 0.00035; 1000 Genomes Project 0.00040; TOPMed 0.00041; 1000 Genomes Project 30x 0.00047; ESP Exome Variant Server 0.00008.
gnomAD v4.1: 325 of 1,613,984 alleles (0.02%); highest among the groups gnomAD compares: Admixed American, 0.17%; no homozygotes.

Submissions (3):

PreventionGenetics, part of Exact Sciences
Classification: Uncertain significance for PIEZO2-related condition. Last evaluated: 2026-07-08. Review status: criteria provided, single submitter. Criteria: ACMG Guidelines, 2015. Collection method: clinical testing. Allele origin: germline.
Comment: The PIEZO2 c.8117G>A variant is predicted to result in the amino acid substitution p.Arg2706Gln. To our knowledge, this variant has not been reported in the literature. This variant is reported in 0.14% of alleles in individuals of Latino descent in gnomAD. At this time, the clinical significance of this variant is uncertain due to the absence of conclusive functional and genetic evidence.

Labcorp Genetics (formerly Invitae), Labcorp
Classification: Likely benign. Last evaluated: 2025-04-17. Review status: criteria provided, single submitter. Criteria: Invitae Variant Classification Sherloc (09022015). Collection method: clinical testing. Allele origin: germline.

GeneDx
Classification: Uncertain significance. Last evaluated: 2024-05-09. Review status: criteria provided, single submitter. Criteria: GeneDx Variant Classification Process June 2021. Collection method: clinical testing. Allele origin: germline. Affected: yes.
Comment: In silico analysis supports that this missense variant has a deleterious effect on protein structure/function; Has not been previously published as pathogenic or benign to our knowledge

NM_001378183.1(PIEZO2):c.8456G>A (p.Arg2819Gln)

Gene: PIEZO2 (piezo type mechanosensitive ion channel component 2; minus strand). Cytogenetic location: 18p11.22.
Variant type: single nucleotide variant.
Coding change: c.8456G>A on transcript NM_001378183.1 (MANE Select); coding-DNA position 8456, G replaced by A.
Protein change: p.Arg2819Gln; replaces arginine 2819 with glutamine.
Molecular consequence: missense variant.
Genome position (GRCh38, 1-based): chr18:10,671,669, C>T on the plus strand (G>A on the coding strand, the complement: PIEZO2 is on the minus strand). VCF-style: chr18-10671669-C-T. GRCh37 (hg19) VCF-style: chr18-10671666-C-T.
Other names: c.8117G>A (NM_022068.2); c.8117G>A, p.Arg2706Gln (NM_022068.4); short protein forms R2706Q, R2819Q.
Identifiers: ClinVar variation 784545 (VCV000784545.11), dbSNP rs189453524, ClinGen allele CA8891732.